The following is an entry in ClinVar:

ClinVar aggregate classification (germline): Uncertain significance. Review status: criteria provided, multiple submitters, no conflicts (2 of 4 stars). 2 submissions from 2 submitters: Uncertain significance (2). Last evaluated 2025-12-01.

Conditions:
Duchenne muscular dystrophy (DMD). Also called: MUSCULAR DYSTROPHY, PSEUDOHYPERTROPHIC PROGRESSIVE, DUCHENNE TYPE; Duchenne Muscular Dystrophy (DMD). Identifiers: Orphanet 98896, MedGen C0013264, MONDO:0010679, OMIM 310200.
Cardiovascular phenotype. Identifiers: MedGen CN230736.

Allele frequency attached by ClinVar (database versions not stated): gnomAD exomes below 0.00001; ExAC 0.00001.
gnomAD v4.1: 2 of 1,206,208 alleles (0.00017%); highest among the groups gnomAD compares: Non-Finnish European, 0.00022%; no homozygotes.

Submissions (2):

Labcorp Genetics (formerly Invitae), Labcorp
Classification: Uncertain significance for Duchenne muscular dystrophy. Last evaluated: 2025-12-01. Review status: criteria provided, single submitter. Criteria: Invitae Variant Classification Sherloc (09022015). Collection method: clinical testing. Allele origin: germline.
Comment: This sequence change replaces glutamic acid, which is acidic and polar, with lysine, which is basic and polar, at codon 3544 of the DMD protein (p.Glu3544Lys). This variant is not present in population databases (gnomAD no frequency). This variant has not been reported in the literature in individuals affected with DMD-related conditions. ClinVar contains an entry for this variant (Variation ID: 3223637). Invitae Evidence Modeling of protein sequence and biophysical properties (such as structural, functional, and spatial information, amino acid conservation, physicochemical variation, residue mobility, and thermodynamic stability) indicates that this missense variant is not expected to disrupt DMD protein function with a negative predictive value of 95%. In summary, the available evidence is currently insufficient to determine the role of this variant in disease. Therefore, it has been classified as a Variant of Uncertain Significance.

Ambry Genetics
Classification: Uncertain significance for Cardiovascular phenotype. Last evaluated: 2024-03-04. Review status: criteria provided, single submitter. Criteria: Ambry Variant Classification Scheme 2023. Collection method: clinical testing. Allele origin: germline.
Comment: The p.E3544K variant (also known as c.10630G>A), located in coding exon 75 of the DMD gene, results from a G to A substitution at nucleotide position 10630. The glutamic acid at codon 3544 is replaced by lysine, an amino acid with similar properties. This amino acid position is well conserved in available vertebrate species. In addition, the in silico prediction for this alteration is inconclusive. Based on the available evidence, the clinical significance of this alteration remains unclear.

NM_004006.3(DMD):c.10630G>A (p.Glu3544Lys)

Gene: DMD (dystrophin; minus strand). Cytogenetic location: Xp21.2.
Variant type: single nucleotide variant.
Coding change: c.10630G>A on transcript NM_004006.3 (MANE Select); coding-DNA position 10630, G replaced by A.
Protein change: p.Glu3544Lys; replaces glutamic acid 3544 with lysine.
Molecular consequence: missense variant.
Genome position (GRCh38, 1-based): chrX:31,147,442, C>T on the plus strand (G>A on the coding strand, the complement: DMD is on the minus strand). VCF-style: chrX-31147442-C-T. GRCh37 (hg19) VCF-style: chrX-31165559-C-T.
Other names: c.10606G>A, p.Glu3536Lys (NM_000109.4); c.10618G>A, p.Glu3540Lys (NM_004009.3); c.10261G>A, p.Glu3421Lys (NM_004010.3); c.6607G>A, p.Glu2203Lys (NM_004011.4); c.6598G>A, p.Glu2200Lys (NM_004012.4); c.3250G>A, p.Glu1084Lys (NM_004013.3, NM_004021.3); c.2443G>A, p.Glu815Lys (NM_004014.3); c.1426G>A, p.Glu476Lys (NM_004015.3, NM_004016.3); and 3 more; short protein forms E1071K, E1084K, E2200K, E2203K, E3421K, E3536K, E3540K, E3544K.
Identifiers: ClinVar variation 3223637 (VCV003223637.3), dbSNP rs749089007, ClinGen allele CA10377554.